The following is an entry in ClinVar:

ClinVar aggregate classification (germline): Uncertain significance. Review status: criteria provided, multiple submitters, no conflicts (2 of 4 stars). 4 submissions from 4 submitters: Uncertain significance (4). Last evaluated 2023-04-11.

Conditions:
Inborn genetic diseases. Identifiers: MedGen C0950123, MeSH D030342.
Hereditary insensitivity to pain with anhidrosis (CIPA). Also called: INSENSITIVITY TO PAIN, CONGENITAL, WITH ANHIDROSIS; hereditary sensory and autonomic neuropathy type 4; HSAN Type IV; NEUROPATHY, CONGENITAL SENSORY, WITH ANHIDROSIS; NTRK1 Congenital Insensitivity to Pain with Anhidrosis; FAMILIAL DYSAUTONOMIA, TYPE II. Identifiers: Orphanet 642, MedGen C0020074, MONDO:0009746, OMIM 256800.

Allele frequency attached by ClinVar (database versions not stated): gnomAD exomes below 0.00001 and 0.00001; gnomAD 0.00001; TOPMed 0.00001.
gnomAD v4.1: 11 of 1,612,858 alleles (0.00068%); highest among the groups gnomAD compares: African/African-American, 0.0013%; no homozygotes.

Submissions (4):

Genome-Nilou Lab
Classification: Uncertain significance for Hereditary insensitivity to pain with anhidrosis. Last evaluated: 2023-04-11. Review status: criteria provided, single submitter. Criteria: ACMG Guidelines, 2015. Collection method: clinical testing. Allele origin: germline. Affected: no.

Department of Pathology and Laboratory Medicine, Sinai Health System
Classification: Uncertain significance for Hereditary insensitivity to pain with anhidrosis. Last evaluated: 2022-11-15. Review status: criteria provided, single submitter. Criteria: ACMG Guidelines, 2015. Collection method: research. Allele origin: germline.

GeneDx
Classification: Uncertain significance. Last evaluated: 2021-11-09. Review status: criteria provided, single submitter. Criteria: GeneDx Variant Classification Process June 2021. Collection method: clinical testing. Allele origin: germline. Affected: yes.
Comment: Not observed at significant frequency in large population cohorts (Lek et al., 2016); In silico analysis supports that this missense variant does not alter protein structure/function; Has not been previously published as pathogenic or benign to our knowledge

Ambry Genetics
Classification: Uncertain significance for Inborn genetic diseases. Last evaluated: 2021-08-17. Review status: criteria provided, single submitter. Criteria: Ambry Variant Classification Scheme 2023. Collection method: clinical testing. Allele origin: germline.

NM_002529.4(NTRK1):c.1276G>A (p.Val426Ile)

Gene: NTRK1 (neurotrophic receptor tyrosine kinase 1; plus strand). Cytogenetic location: 1q23.1.
Variant type: single nucleotide variant.
Coding change: c.1276G>A on transcript NM_002529.4 (MANE Select); coding-DNA position 1276, G replaced by A.
Protein change: p.Val426Ile; replaces valine 426 with isoleucine.
Molecular consequence: missense variant.
Genome position (GRCh38, 1-based): chr1:156,874,930, G>A. VCF-style: chr1-156874930-G-A. GRCh37 (hg19) VCF-style: chr1-156844722-G-A.
Other names: c.1168G>A, p.Val390Ile (NM_001007792.1); c.1258G>A, p.Val420Ile (NM_001012331.2); short protein forms V390I, V420I, V426I.
Identifiers: ClinVar variation 1315021 (VCV001315021.7), dbSNP rs986498490, ClinGen allele CA342936881.